The following is an entry in ClinVar:

ClinVar aggregate classification (germline): Benign (1 of 4 stars; one submission).

Conditions:
AMBN-related disorder. Also called: AMBN-related condition.

gnomAD v4.1: 34,026 of 1,613,366 alleles (2.1%); highest among the groups gnomAD compares: Non-Finnish European, 2.5%; 397 homozygotes.

Submission:

PreventionGenetics, part of Exact Sciences
Classification: Benign for AMBN-related condition. Last evaluated: 2024-10-09. Review status: criteria provided, single submitter. Criteria: ACMG Guidelines, 2015. Collection method: clinical testing. Allele origin: germline.
Comment: This variant is classified as benign based on ACMG/AMP sequence variant interpretation guidelines (Richards et al. 2015 PMID: 25741868, with internal and published modifications).

NM_016519.6(AMBN):c.678C>T (p.His226=)

Gene: AMBN (ameloblastin; plus strand). Cytogenetic location: 4q13.3.
Variant type: single nucleotide variant.
Coding change: c.678C>T on transcript NM_016519.6 (MANE Select); coding-DNA position 678, C replaced by T.
Protein change: p.His226=; no amino-acid change (histidine 226 retained).
Molecular consequence: synonymous variant.
Genome position (GRCh38, 1-based): chr4:70,603,289, C>T. VCF-style: chr4-70603289-C-T. GRCh37 (hg19) VCF-style: chr4-71469006-C-T.
Identifiers: ClinVar variation 4980749 (VCV004980749.1).
Genomic context (GRCh38, chr4:70,603,289, plus strand): 5'-AATTACTTATTCTGTTTTCTACCATTTAAAGATTTTCCAAATAGCCCGTTTGATTTCTCA[C>T]GGACCAATGCCACAAAATAAACAATCTCCAGTAAGTTTTTTTTAATACCACATCTCTGTT-3'
Protein context (NP_057603.1, residues 216-236): TIFQIARLIS[His226=]GPMPQNKQSP